The following is an entry in ClinVar:

NM_001110556.2(FLNA):c.3677C>T (p.Pro1226Leu)

Gene: FLNA (filamin A; minus strand). Cytogenetic location: Xq28.
Variant type: single nucleotide variant.
Coding change: c.3677C>T on transcript NM_001110556.2 (MANE Select); coding-DNA position 3677, C replaced by T.
Protein change: p.Pro1226Leu; replaces proline 1226 with leucine.
Molecular consequence: missense variant.
Genome position (GRCh38, 1-based): chrX:154,360,118, G>A on the plus strand (C>T on the coding strand, the complement: FLNA is on the minus strand). VCF-style: chrX-154360118-G-A. GRCh37 (hg19) VCF-style: chrX-153588486-G-A.
Other names: c.3677C>T, p.Pro1226Leu (NM_001456.4); short protein forms P1226L.
Identifiers: ClinVar variation 948740 (VCV000948740.10), dbSNP rs2067693582, ClinGen allele CA415223423.

ClinVar aggregate classification (germline): Uncertain significance (1 of 4 stars; one submission).

Conditions:
Frontometaphyseal dysplasia (FMD1). Identifiers: Orphanet 1826, MedGen C0265293, MONDO:0015942.
Heterotopia, periventricular, X-linked dominant (PVNH1). Also called: PERIVENTRICULAR NODULAR HETEROTOPIA 1; X-linked periventricular heterotopia; PERIVENTRICULAR NODULAR HETEROTOPIA 4; HETEROTOPIA, PERIVENTRICULAR, 1. Identifiers: Orphanet 2149, Orphanet 82004, MedGen C1848213, MONDO:0010233, OMIM 300049.
Melnick-Needles syndrome (MNS). Also called: MELNICK-NEEDLES OSTEODYSPLASTY; OSTEODYSPLASTY OF MELNICK AND NEEDLES; Melnick-Needles Syndrome (FLNA-MNS). Identifiers: Orphanet 2484, MedGen C0025237, MONDO:0010650, OMIM 309350.
Oto-palato-digital syndrome, type II (OPD2). Also called: OPD II SYNDROME; FACIOPALATOOSSEOUS SYNDROME; Otopalatodigital Syndrome Type 2 (FLNA-OPD2); Otopalatodigital Syndrome, Type II. Identifiers: Orphanet 669, Orphanet 90652, MedGen C1844696, MONDO:0010571, OMIM 304120.

Submission:

Labcorp Genetics (formerly Invitae), Labcorp
Classification: Uncertain significance for Oto-palato-digital syndrome, type II; Heterotopia, periventricular, X-linked dominant; Frontometaphyseal dysplasia; Melnick-Needles syndrome. Last evaluated: 2019-08-14. Review status: criteria provided, single submitter. Criteria: Invitae Variant Classification Sherloc (09022015). Collection method: clinical testing. Allele origin: germline.
Comment: In summary, the available evidence is currently insufficient to determine the role of this variant in disease. Therefore, it has been classified as a Variant of Uncertain Significance. Algorithms developed to predict the effect of missense changes on protein structure and function are either unavailable or do not agree on the potential impact of this missense change (SIFT: "Deleterious"; PolyPhen-2: "Benign"; Align-GVGD: "Class C65"). This variant has not been reported in the literature in individuals with FLNA-related conditions. This variant is not present in population databases (ExAC no frequency). This sequence change replaces proline with leucine at codon 1226 of the FLNA protein (p.Pro1226Leu). The proline residue is highly conserved and there is a moderate physicochemical difference between proline and leucine.